The following is an entry in ClinVar:

NM_000341.4(SLC3A1):c.1991A>G (p.Asp664Gly)

Genes: PREPL (prolyl endopeptidase like; minus strand), SLC3A1 (solute carrier family 3 member 1; plus strand). Cytogenetic location: 2p21.
Variant type: single nucleotide variant.
Coding change: c.1991A>G on transcript NM_000341.4 (MANE Select); coding-DNA position 1991, A replaced by G.
Protein change: p.Asp664Gly; replaces aspartic acid 664 with glycine.
Molecular consequence: missense variant. On other transcripts: 3 prime UTR variant (10).
Genome position (GRCh38, 1-based): chr2:44,320,572, A>G. VCF-style: chr2-44320572-A-G. GRCh37 (hg19) VCF-style: chr2-44547711-A-G.
Other names: c.*784T>C (NM_001042385.2, NM_001042386.2, NM_001171603.1 and 7 more transcripts); short protein forms D664G.
Identifiers: ClinVar variation 1345653 (VCV001345653.6), dbSNP rs377448239, ClinGen allele CA1640810.
Genomic context (GRCh38, chr2:44,320,572, plus strand): 5'-AGGGACTCATCTTTGAACACAACACGAAGAATCTCCTTCATCGCCAAACAGCTTTCAGAG[A>G]TAGATGCTTTGTTTCCAATCGAGCATGCTATTCCAGTGTACTGAACATACTGTATACCTC-3'
Protein context (NP_000332.2, residues 654-674): NLLHRQTAFR[Asp664Gly]RCFVSNRACY

ClinVar aggregate classification (germline): Uncertain significance (1 of 4 stars; one submission).

Conditions:
Cystinuria (CSNU). Also called: Cystinuria, non-type I; CYSTINURIA, TYPE I; CYSTINURIA, TYPE II; CYSTINURIA, TYPE III. Identifiers: Orphanet 214, MedGen C0010691, MONDO:0009067, OMIM 220100, HP:0003131.

Allele frequency attached by ClinVar (database versions not stated): gnomAD exomes below 0.00001 and 0.00001; gnomAD 0.00001; TOPMed 0.00001; ExAC 0.00002; ESP Exome Variant Server 0.00008.
gnomAD v4.1: 10 of 1,613,968 alleles (0.00062%); highest among the groups gnomAD compares: Non-Finnish European, 0.00076%; no homozygotes.

Submission:

Labcorp Genetics (formerly Invitae), Labcorp
Classification: Uncertain significance for Cystinuria. Last evaluated: 2021-11-09. Review status: criteria provided, single submitter. Criteria: Invitae Variant Classification Sherloc (09022015). Collection method: clinical testing. Allele origin: germline.
Comment: This sequence change replaces aspartic acid, which is acidic and polar, with glycine, which is neutral and non-polar, at codon 664 of the SLC3A1 protein (p.Asp664Gly). This variant is present in population databases (rs377448239, gnomAD 0.002%). This variant has not been reported in the literature in individuals affected with SLC3A1-related conditions. Algorithms developed to predict the effect of missense changes on protein structure and function (SIFT, PolyPhen-2, Align-GVGD) all suggest that this variant is likely to be tolerated. Algorithms developed to predict the effect of sequence changes on RNA splicing suggest that this variant may create or strengthen a splice site. In summary, the available evidence is currently insufficient to determine the role of this variant in disease. Therefore, it has been classified as a Variant of Uncertain Significance.